The following is an entry in ClinVar:

ClinVar aggregate classification (germline): Uncertain significance (1 of 4 stars; one submission).

Conditions:
Hereditary cancer-predisposing syndrome. Also called: Hereditary neoplastic syndrome; Neoplastic Syndromes, Hereditary; Tumor predisposition; Hereditary Cancer Syndrome. Identifiers: Orphanet 140162, MedGen C0027672, MeSH D009386, MONDO:0015356.

gnomAD v4.1: 1 of 1,614,228 alleles (0.000062%); highest among the groups gnomAD compares: Non-Finnish European, 0.000085%; no homozygotes.

Submission:

Ambry Genetics
Classification: Uncertain significance for Hereditary cancer-predisposing syndrome. Last evaluated: 2025-08-27. Review status: criteria provided, single submitter. Criteria: Ambry Variant Classification Scheme 2023. Collection method: clinical testing. Allele origin: germline.
Comment: The p.D89E variant (also known as c.267C>G), located in coding exon 3 of the MUTYH gene, results from a C to G substitution at nucleotide position 267. The aspartic acid at codon 89 is replaced by glutamic acid, an amino acid with highly similar properties. This amino acid position is conserved. In addition, this alteration is predicted to be tolerated by in silico analysis. Based on the available evidence, the clinical significance of this variant remains unclear.

NM_001048174.2(MUTYH):c.183C>G (p.Asp61Glu)

Gene: MUTYH (mutY DNA glycosylase; minus strand). Cytogenetic location: 1p34.1.
Variant type: single nucleotide variant.
Coding change: c.183C>G on transcript NM_001048174.2 (MANE Select); coding-DNA position 183, C replaced by G.
Protein change: p.Asp61Glu; replaces aspartic acid 61 with glutamic acid.
Molecular consequence: missense variant. On other transcripts: non-coding transcript variant (7), 5 prime UTR variant (6).
Genome position (GRCh38, 1-based): chr1:45,333,494, G>C on the plus strand (C>G on the coding strand, the complement: MUTYH is on the minus strand). VCF-style: chr1-45333494-G-C. GRCh37 (hg19) VCF-style: chr1-45799166-G-C.
Other names: c.258C>G, p.Asp86Glu (NM_012222.3, NM_001407069.1); c.183C>G, p.Asp61Glu (NM_001048171.2, NM_001407070.1, NM_001407072.1 and 6 more transcripts); c.-89C>G (NM_001350651.2, NM_001350650.2, NM_001407082.1); c.186C>G, p.Asp62Glu (NM_001407071.1, NM_001407078.1, NM_001048172.2 and 2 more transcripts); c.225C>G, p.Asp75Glu (NM_001407073.1, NM_001407083.1, NM_001407085.1); c.99C>G, p.Asp33Glu (NM_001407075.1); c.216C>G, p.Asp72Glu (NM_001407077.1, NM_001293191.2); c.267C>G, p.Asp89Glu (NM_001128425.2); and 3 more; short protein forms D72E, D61E, D33E, D75E, D62E, D68E, D76E, D86E.
Identifiers: ClinVar variation 4113560 (VCV004113560.1).